The following is an entry in ClinVar:

NM_015021.3(ZNF292):c.2727G>C (p.Glu909Asp)

Gene: ZNF292 (zinc finger protein 292; plus strand). Cytogenetic location: 6q14.3.
Variant type: single nucleotide variant.
Coding change: c.2727G>C on transcript NM_015021.3 (MANE Select); coding-DNA position 2727, G replaced by C.
Protein change: p.Glu909Asp; replaces glutamic acid 909 with aspartic acid.
Molecular consequence: missense variant.
Genome position (GRCh38, 1-based): chr6:87,256,356, G>C. VCF-style: chr6-87256356-G-C. GRCh37 (hg19) VCF-style: chr6-87966074-G-C.
Other names: c.2307G>C, p.Glu769Asp (NM_001351444.2); short protein forms E769D, E909D.
Identifiers: ClinVar variation 3778212 (VCV003778212.7).

ClinVar aggregate classification (germline): Likely benign (1 of 4 stars; one submission).

gnomAD v4.1: 103 of 1,611,080 alleles (0.0064%); highest among the groups gnomAD compares: Non-Finnish European, 0.008%; no homozygotes.

Submission:

CeGaT Center for Human Genetics Tuebingen
Classification: Likely benign. Last evaluated: 2025-03-01. Review status: criteria provided, single submitter. Criteria: CeGaT Center For Human Genetics Tuebingen Variant Classification Criteria Version 2. Collection method: clinical testing. Allele origin: germline. Affected: yes. Observed: 1 variant allele.
Comment: ZNF292: BP4